The following is an entry in ClinVar:

ClinVar aggregate classification (germline): Conflicting classifications of pathogenicity. Review status: criteria provided, conflicting classifications (1 of 4 stars). 4 submissions from 4 submitters: Likely pathogenic (2); Uncertain significance (1). 1 of the submissions does not count toward it. Last evaluated 2023-12-21.

Conditions:
Alkaptonuria (AKU). Also called: HOMOGENTISIC ACID OXIDASE DEFICIENCY; Alcaptonuria; Homogentisic acidura; Alkaptonuric ochronosis. Identifiers: Orphanet 56, MedGen C0002066, MONDO:0008753, OMIM 203500.

Allele frequency attached by ClinVar (database versions not stated): TOPMed below 0.00001; ExAC 0.00001; gnomAD 0.00001; gnomAD exomes 0.00001.
gnomAD v4.1: 13 of 1,614,076 alleles (0.00081%); highest among the groups gnomAD compares: Middle Eastern, 0.016%; no homozygotes.

Submissions (4):

Labcorp Genetics (formerly Invitae), Labcorp
Classification: Likely pathogenic for Alkaptonuria. Last evaluated: 2023-12-21. Review status: criteria provided, single submitter. Criteria: Invitae Variant Classification Sherloc (09022015). Collection method: clinical testing. Allele origin: germline.
Comment: This sequence change replaces arginine, which is basic and polar, with cysteine, which is neutral and slightly polar, at codon 225 of the HGD protein (p.Arg225Cys). This variant is present in population databases (rs756789146, gnomAD 0.007%). This missense change has been observed in individual(s) with alkaptonuria (Invitae). ClinVar contains an entry for this variant (Variation ID: 1512988). Advanced modeling of protein sequence and biophysical properties (such as structural, functional, and spatial information, amino acid conservation, physicochemical variation, residue mobility, and thermodynamic stability) performed at Invitae indicates that this missense variant is expected to disrupt HGD protein function with a positive predictive value of 80%. This variant disrupts the p.Arg225 amino acid residue in HGD. Other variant(s) that disrupt this residue have been determined to be pathogenic (PMID: 12872836, 25681086). This suggests that this residue is clinically significant, and that variants that disrupt this residue are likely to be disease-causing. In summary, the currently available evidence indicates that the variant is pathogenic, but additional data are needed to prove that conclusively. Therefore, this variant has been classified as Likely Pathogenic.

Revvity Omics, Revvity
Classification: Uncertain significance for Alkaptonuria. Last evaluated: 2023-02-06. Review status: criteria provided, single submitter. Criteria: ACMG Guidelines, 2015. Collection method: clinical testing. Allele origin: germline.

Breakthrough Genomics
Classification: Likely pathogenic for Alkaptonuria. Last evaluated: 2020-02-25. Review status: criteria provided, single submitter. Criteria: ACMG Guidelines, 2015. Collection method: clinical testing. Allele origin: germline. Affected: yes.
Comment: This variant has not been previously reported in the literature. However in ClinVar database, another missense variant c.674G>A (p.Arg225His), affecting the same codon of the identified variant has been reported as likely pathogenic in the context of alkaptonuria. In addition, two missense variants affecting the same codon p.Arg225Pro and p.Arg225His have been reported previously in patients affected with alkaptonuria and in the same study it has been reported that mutation in Arg225 residue of the protein disrupt intermolecular interactions and decrease the stability of the hexamer [PMID: 25681086].

Department Of Human Genetics, Institute Of Clinical And Translational Research, Biomedical Research Center, Slovak Academy Of Sciences
Classification: Pathogenic for Alkaptonuria. Review status: no assertion criteria provided. Collection method: research. Allele origin: germline. Inheritance: Autosomal recessive inheritance. Affected: yes. Observed: 2 variant alleles. Not counted in ClinVar's aggregate classification.
Comment: The variant was originally described in AKU patient in DOI 10.3934/molsci.2021005. It has been submitted to the HGD gene mutation database (DB-ID: AKU_00254).

Literature cited by the submitters: PubMed 12872836 (cited by Labcorp Genetics (formerly Invitae), Labcorp); PubMed 25681086 (cited by Labcorp Genetics (formerly Invitae), Labcorp); DOI org/10.3934/molsci.2021005 (cited by Department Of Human Genetics, Institute Of Clinical And Translational Research, Biomedical Research Center, Slovak Academy Of Sciences).

NM_000187.4(HGD):c.673C>T (p.Arg225Cys)

Gene: HGD (homogentisate 1,2-dioxygenase; minus strand). Cytogenetic location: 3q13.33.
Variant type: single nucleotide variant.
Coding change: c.673C>T on transcript NM_000187.4 (MANE Select); coding-DNA position 673, C replaced by T.
Protein change: p.Arg225Cys; replaces arginine 225 with cysteine.
Molecular consequence: missense variant.
Genome position (GRCh38, 1-based): chr3:120,644,420, G>A on the plus strand (C>T on the coding strand, the complement: HGD is on the minus strand). VCF-style: chr3-120644420-G-A. GRCh37 (hg19) VCF-style: chr3-120363267-G-A.
Other names: p.Arg225Cys; c.673C>T (NM_000187.3); short protein forms R225C.
Identifiers: ClinVar variation 1512988 (VCV001512988.13), dbSNP rs756789146, ClinGen allele CA2560100.
Genomic context (GRCh38, chr3:120,644,420, plus strand): 5'-CCGTGTAACCACCTGGTACTTGGCGATCCTCATACCAGGCAATGGGTATCAAGAAATCAC[G>A]AGGATTGGCCAAGCCATTGGCCCCTAGAAAACAGTAACCCAAAAGTCTTTTAGAAACTTC-3'
Protein context (NP_000178.2, residues 215-235): PIGANGLANP[Arg225Cys]DFLIPIAWYE